The following is an entry in ClinVar:

ClinVar aggregate classification (germline): Uncertain significance (1 of 4 stars; one submission).

gnomAD v4.1: 10 of 1,304,062 alleles (0.00077%); highest among the groups gnomAD compares: South Asian, 0.012%; no homozygotes.

Submission:

GeneDx
Classification: Uncertain significance. Last evaluated: 2025-03-27. Review status: criteria provided, single submitter. Criteria: GeneDx Variant Classification Process June 2021. Collection method: clinical testing. Allele origin: germline. Affected: yes.
Comment: In silico analysis does not support a benign or deleterious effect of this variant on protein structure/function; Has not been previously published as pathogenic or benign to our knowledge

NM_020207.7(ERCC6L2):c.2402C>G (p.Thr801Arg)

Gene: ERCC6L2 (ERCC excision repair 6 like 2; plus strand). Cytogenetic location: 9q22.32.
Variant type: single nucleotide variant.
Coding change: c.2402C>G on transcript NM_020207.7 (MANE Select); coding-DNA position 2402, C replaced by G.
Protein change: p.Thr801Arg; replaces threonine 801 with arginine.
Molecular consequence: missense variant. On other transcripts: non-coding transcript variant (1).
Genome position (GRCh38, 1-based): chr9:95,972,153, C>G. VCF-style: chr9-95972153-C-G. GRCh37 (hg19) VCF-style: chr9-98734435-C-G.
Other names: c.2402C>G, p.Thr801Arg (NM_001375291.1, NM_001375292.1, NM_001375293.1 and 1 more transcripts); short protein forms T801R.
Identifiers: ClinVar variation 4088061 (VCV004088061.1).